The following is an entry in ClinVar:

ClinVar aggregate classification (germline): Uncertain significance (1 of 4 stars; one submission).

Submission:

GeneDx
Classification: Uncertain significance. Last evaluated: 2026-02-18. Review status: criteria provided, single submitter. Criteria: GeneDx Variant Classification Process June 2021. Collection method: clinical testing. Allele origin: germline.
Comment: Not observed at significant frequency in large population cohorts (gnomAD); In silico analysis supports that this missense variant has a deleterious effect on protein structure/function; Has not been previously published as pathogenic or benign to our knowledge

NM_001005273.3(CHD3):c.3235G>A (p.Val1079Met)

Gene: CHD3 (chromodomain helicase DNA binding protein 3; plus strand). Cytogenetic location: 17p13.1.
Variant type: single nucleotide variant.
Coding change: c.3235G>A on transcript NM_001005273.3 (MANE Select); coding-DNA position 3235, G replaced by A.
Protein change: p.Val1079Met; replaces valine 1079 with methionine.
Molecular consequence: missense variant.
Genome position (GRCh38, 1-based): chr17:7,901,358, G>A. VCF-style: chr17-7901358-G-A. GRCh37 (hg19) VCF-style: chr17-7804676-G-A.
Other names: c.3412G>A, p.Val1138Met (NM_001005271.3, NM_001437504.1); c.3400G>A, p.Val1134Met (NM_001437507.1, NM_001437508.1, NM_001437509.1); c.3235G>A, p.Val1079Met (NM_005852.4); short protein forms V1079M, V1134M, V1138M.
Identifiers: ClinVar variation 5009671 (VCV005009671.1).